The following is an entry in ClinVar:

ClinVar aggregate classification (germline): Conflicting classifications of pathogenicity. Review status: criteria provided, conflicting classifications (1 of 4 stars). 6 submissions from 6 submitters: Uncertain significance (2); Likely benign (4). Last evaluated 2026-02-01.

Conditions:
Cardiovascular phenotype. Identifiers: MedGen CN230736.
Long QT syndrome (LQTS). Identifiers: MedGen C0023976, MeSH D008133, MONDO:0002442. Disease mechanism: loss of function. Inheritance: Various modes of inheritance.

Allele frequency attached by ClinVar (database versions not stated): ESP Exome Variant Server 0.00008; TOPMed 0.00013; gnomAD 0.00014 and 0.00015; ExAC 0.00015; gnomAD exomes 0.00015 and 0.00017; 1000 Genomes Project 30x 0.00016; 1000 Genomes Project 0.00020.
gnomAD v4.1: 270 of 1,613,636 alleles (0.017%); highest among the groups gnomAD compares: Admixed American, 0.027%; 1 homozygote.

Submissions (6):

CeGaT Center for Human Genetics Tuebingen
Classification: Likely benign. Last evaluated: 2026-02-01. Review status: criteria provided, single submitter. Criteria: CeGaT Center For Human Genetics Tuebingen Variant Classification Criteria Version 2. Collection method: clinical testing. Allele origin: germline. Affected: yes. Observed: 1 variant allele.
Comment: CACNA1C: BP4

Labcorp Genetics (formerly Invitae), Labcorp
Classification: Likely benign for Long QT syndrome. Last evaluated: 2026-01-25. Review status: criteria provided, single submitter. Criteria: Invitae Variant Classification Sherloc (09022015). Collection method: clinical testing. Allele origin: germline.

GeneDx
Classification: Uncertain significance. Last evaluated: 2024-12-16. Review status: criteria provided, single submitter. Criteria: GeneDx Variant Classification Process June 2021. Collection method: clinical testing. Allele origin: germline. Affected: yes.
Comment: In silico analysis supports that this missense variant has a deleterious effect on protein structure/function; Has not been previously published as pathogenic or benign to our knowledge; This variant is associated with the following publications: (PMID: 25633834)

Blueprint Genetics
Classification: Likely benign. Last evaluated: 2024-11-27. Review status: criteria provided, single submitter. Criteria: ACMG Guidelines, 2015. Collection method: clinical testing. Allele origin: germline.

Ambry Genetics
Classification: Likely benign for Cardiovascular phenotype. Last evaluated: 2022-10-25. Review status: criteria provided, single submitter. Criteria: Ambry Variant Classification Scheme 2023. Collection method: clinical testing. Allele origin: germline.

Eurofins Ntd Llc (ga)
Classification: Uncertain significance. Last evaluated: 2014-10-28. Review status: criteria provided, single submitter. Criteria: EGL Classification Definitions 2015. Collection method: clinical testing. Allele origin: germline. Observed: 1 variant allele, 1 heterozygote.

Literature cited by the submitters: PubMed 25633834 (cited by Ambry Genetics).

NM_000719.7(CACNA1C):c.5644T>C (p.Ser1882Pro)

Genes: CACNA1C-AS1 (CACNA1C antisense RNA 1; minus strand), CACNA1C (calcium voltage-gated channel subunit alpha1 C; plus strand). Cytogenetic location: 12p13.33.
Variant type: single nucleotide variant.
Coding change: c.5644T>C on transcript NM_000719.7 (MANE Select); coding-DNA position 5644, T replaced by C.
Protein change: p.Ser1882Pro; replaces serine 1882 with proline.
Molecular consequence: missense variant.
Genome position (GRCh38, 1-based): chr12:2,685,806, T>C. VCF-style: chr12-2685806-T-C. GRCh37 (hg19) VCF-style: chr12-2794972-T-C.
Other names: c.5788T>C, p.Ser1930Pro (NM_001129827.2); c.5767T>C, p.Ser1923Pro (NM_001129829.2); c.5749T>C, p.Ser1917Pro (NM_001129830.3, NM_001167624.3); c.5728T>C, p.Ser1910Pro (NM_001129831.2); c.5704T>C, p.Ser1902Pro (NM_001129832.2); c.5701T>C, p.Ser1901Pro (NM_001129833.2, NM_001129834.2, NM_001129835.2); c.5695T>C, p.Ser1899Pro (NM_001129836.2); c.5668T>C, p.Ser1890Pro (NM_001129837.2, NM_001129838.2); and 6 more; short protein forms S1882P, S1917P, S1930P, S1888P, S1890P, S1899P, S1965P, S1871P.
Identifiers: ClinVar variation 197498 (VCV000197498.39), dbSNP rs369438564, ClinGen allele CA245680.
Genomic context (GRCh38, chr12:2,685,806, plus strand): 5'-CAGGATGACGAAAATCGGCAACTGACGCTCCCAGAGGAGGACAAGAGGGACATCCGGCAA[T>C]CTCCGAAGAGGGGTTTCCTCCGCTCTGCCTCACTAGGTAAATGCACCGCTCGCTCTCTGG-3'
Protein context (NP_000710.5, residues 1872-1892): PEEDKRDIRQ[Ser1882Pro]PKRGFLRSAS